The following is an entry in ClinVar:

ClinVar aggregate classification (germline): Likely benign. Review status: criteria provided, single submitter (1 of 4 stars). 2 submissions from 2 submitters: Likely benign (1). 1 of the submissions does not count toward it. Last evaluated 2026-02-01.

Conditions:
MYLK3-related disorder. Also called: MYLK3-related condition.

Allele frequency attached by ClinVar (database versions not stated): gnomAD exomes 0.00005 and 0.00018; ExAC 0.00022; 1000 Genomes Project 0.00080; gnomAD 0.00084 and 0.00088; TOPMed 0.00091; ESP Exome Variant Server 0.00092; 1000 Genomes Project 30x 0.00125.
gnomAD v4.1: 208 of 1,611,804 alleles (0.013%); highest among the groups gnomAD compares: African/African-American, 0.25%; no homozygotes.

Submissions (2):

Labcorp Genetics (formerly Invitae), Labcorp
Classification: Likely benign. Last evaluated: 2026-02-01. Review status: criteria provided, single submitter. Criteria: Invitae Variant Classification Sherloc (09022015). Collection method: clinical testing. Allele origin: germline.

PreventionGenetics, part of Exact Sciences
Classification: Likely benign for MYLK3-related condition. Last evaluated: 2023-02-15. Review status: no assertion criteria provided. Collection method: clinical testing. Allele origin: germline. Not counted in ClinVar's aggregate classification.
Comment: This variant is classified as likely benign based on ACMG/AMP sequence variant interpretation guidelines (Richards et al. 2015 PMID: 25741868, with internal and published modifications).

NM_182493.3(MYLK3):c.2450C>A (p.Thr817Asn)

Gene: MYLK3 (myosin light chain kinase 3; minus strand). Cytogenetic location: 16q11.2.
Variant type: single nucleotide variant.
Coding change: c.2450C>A on transcript NM_182493.3 (MANE Select); coding-DNA position 2450, C replaced by A.
Protein change: p.Thr817Asn; replaces threonine 817 with asparagine.
Molecular consequence: missense variant.
Genome position (GRCh38, 1-based): chr16:46,707,714, G>T on the plus strand (C>A on the coding strand, the complement: MYLK3 is on the minus strand). VCF-style: chr16-46707714-G-T. GRCh37 (hg19) VCF-style: chr16-46741626-G-T.
Other names: c.1427C>A, p.Thr476Asn (NM_001308301.1); c.2450C>A (NM_182493.2); short protein forms T476N, T817N.
Identifiers: ClinVar variation 1665017 (VCV001665017.10), dbSNP rs147929012, ClinGen allele CA8037593.